The following is an entry in ClinVar:

NM_012338.4(TSPAN12):c.807G>T (p.Gln269His)

Gene: TSPAN12 (tetraspanin 12; minus strand). Cytogenetic location: 7q31.31.
Variant type: single nucleotide variant.
Coding change: c.807G>T on transcript NM_012338.4 (MANE Select); coding-DNA position 807, G replaced by T.
Protein change: p.Gln269His; replaces glutamine 269 with histidine.
Molecular consequence: missense variant.
Genome position (GRCh38, 1-based): chr7:120,788,703, C>A on the plus strand (G>T on the coding strand, the complement: TSPAN12 is on the minus strand). VCF-style: chr7-120788703-C-A. GRCh37 (hg19) VCF-style: chr7-120428757-C-A.
Other names: short protein forms Q269H.
Identifiers: ClinVar variation 2121934 (VCV002121934.4), dbSNP rs1793457741, ClinGen allele CA369133468.

ClinVar aggregate classification (germline): Uncertain significance (1 of 4 stars; one submission).

Allele frequency attached by ClinVar (database versions not stated): TOPMed below 0.00001.

Submission:

Labcorp Genetics (formerly Invitae), Labcorp
Classification: Uncertain significance. Last evaluated: 2022-04-06. Review status: criteria provided, single submitter. Criteria: Invitae Variant Classification Sherloc (09022015). Collection method: clinical testing. Allele origin: germline.
Comment: This sequence change replaces glutamine, which is neutral and polar, with histidine, which is basic and polar, at codon 269 of the TSPAN12 protein (p.Gln269His). This variant is not present in population databases (gnomAD no frequency). This variant has not been reported in the literature in individuals affected with TSPAN12-related conditions. Algorithms developed to predict the effect of missense changes on protein structure and function (SIFT, PolyPhen-2, Align-GVGD) all suggest that this variant is likely to be tolerated. In summary, the available evidence is currently insufficient to determine the role of this variant in disease. Therefore, it has been classified as a Variant of Uncertain Significance.